The following is an entry in ClinVar:

ClinVar aggregate classification (germline): Uncertain significance. Review status: criteria provided, multiple submitters, no conflicts (2 of 4 stars). 2 submissions from 2 submitters: Uncertain significance (2). Last evaluated 2024-08-10.

Conditions:
Early-infantile DEE. Also called: Early infantile epileptic encephalopathy; Ohtahara syndrome; Early infantile epileptic encephalopathy with suppression bursts. Identifiers: Orphanet 1934, MedGen C0393706, MONDO:0800491.

Submissions (2):

GeneDx
Classification: Uncertain significance. Last evaluated: 2024-08-10. Review status: criteria provided, single submitter. Criteria: GeneDx Variant Classification Process June 2021. Collection method: clinical testing. Allele origin: germline. Affected: yes.
Comment: Not observed at significant frequency in large population cohorts (gnomAD); Frameshift variant predicted to result in abnormal protein length as the last 39 amino acids are replaced with 8 different amino acids; Has not been previously published as pathogenic or benign to our knowledge

Labcorp Genetics (formerly Invitae), Labcorp
Classification: Uncertain significance for Early-infantile DEE. Last evaluated: 2022-06-27. Review status: criteria provided, single submitter. Criteria: Invitae Variant Classification Sherloc (09022015). Collection method: clinical testing. Allele origin: germline.
Comment: In summary, the available evidence is currently insufficient to determine the role of this variant in disease. Therefore, it has been classified as a Variant of Uncertain Significance. This sequence change creates a premature translational stop signal (p.Ala1942Profs*9) in the SCN8A gene. While this is not anticipated to result in nonsense mediated decay, it is expected to disrupt the last 39 amino acid(s) of the SCN8A protein. This variant is not present in population databases (gnomAD no frequency). This variant has not been reported in the literature in individuals affected with SCN8A-related conditions. Experimental studies and prediction algorithms are not available or were not evaluated, and the functional significance of this variant is currently unknown.

NM_001330260.2(SCN8A):c.5823del (p.Ala1942fs)

Gene: SCN8A (sodium voltage-gated channel alpha subunit 8; plus strand). Cytogenetic location: 12q13.13.
Variant type: Deletion.
Coding change: c.5823del on transcript NM_001330260.2 (MANE Select); coding-DNA position 5823, one base deleted (A; older notation c.5823delA).
Protein change: p.Ala1942fs; shifts the reading frame from alanine 1942.
Molecular consequence: frameshift variant.
Genome position (GRCh38, 1-based): chr12:51,807,309, A deleted. VCF-style (leftmost placement, unchanged base first): chr12-51807308-CA-C. GRCh37 (hg19) VCF-style: chr12-52201092-CA-C.
Other names: c.5700del, p.Ala1901fs (NM_001177984.3, NM_001369788.1); c.5823del, p.Ala1942fs (NM_014191.4); c.5823del (NM_014191.3); short protein forms A1901fs, A1942fs.
Identifiers: ClinVar variation 1463686 (VCV001463686.10), dbSNP rs2138944836, ClinGen allele CA2573148738.